The following is an entry in ClinVar:

NM_004560.4(ROR2):c.1646T>C (p.Leu549Pro)

Gene: ROR2 (receptor tyrosine kinase like orphan receptor 2; minus strand). Cytogenetic location: 9q22.31.
Variant type: single nucleotide variant.
Coding change: c.1646T>C on transcript NM_004560.4 (MANE Select); coding-DNA position 1646, T replaced by C.
Protein change: p.Leu549Pro; replaces leucine 549 with proline.
Molecular consequence: missense variant.
Genome position (GRCh38, 1-based): chr9:91,724,848, A>G on the plus strand (T>C on the coding strand, the complement: ROR2 is on the minus strand). VCF-style: chr9-91724848-A-G. GRCh37 (hg19) VCF-style: chr9-94487130-A-G.
Other names: short protein forms L549P.
Identifiers: ClinVar variation 2903149 (VCV002903149.3), dbSNP rs756321168, ClinGen allele CA5120623.

ClinVar aggregate classification (germline): Uncertain significance (1 of 4 stars; one submission).

Allele frequency attached by ClinVar (database versions not stated): gnomAD exomes below 0.00001; ExAC 0.00001.
gnomAD v4.1: 4 of 1,603,444 alleles (0.00025%); highest among the groups gnomAD compares: African/African-American, 0.0013%; no homozygotes.

Submission:

Labcorp Genetics (formerly Invitae), Labcorp
Classification: Uncertain significance. Last evaluated: 2023-10-16. Review status: criteria provided, single submitter. Criteria: Invitae Variant Classification Sherloc (09022015). Collection method: clinical testing. Allele origin: germline.
Comment: This sequence change replaces leucine, which is neutral and non-polar, with proline, which is neutral and non-polar, at codon 549 of the ROR2 protein (p.Leu549Pro). This variant is present in population databases (rs756321168, gnomAD 0.007%). This variant has not been reported in the literature in individuals affected with ROR2-related conditions. Advanced modeling of protein sequence and biophysical properties (such as structural, functional, and spatial information, amino acid conservation, physicochemical variation, residue mobility, and thermodynamic stability) performed at Invitae indicates that this missense variant is not expected to disrupt ROR2 protein function. In summary, the available evidence is currently insufficient to determine the role of this variant in disease. Therefore, it has been classified as a Variant of Uncertain Significance.